The following continues an entry in ClinVar:

NM_000059.4(BRCA2):c.5130_5133del (p.Asp1709_Tyr1710insTer)

Gene: BRCA2. ClinVar aggregate classification (germline): Pathogenic. Pathogenic (1).

Submissions 12 to 24 of 32:

Ambry Genetics
Classification: Pathogenic for Hereditary cancer-predisposing syndrome. Last evaluated: 2024-07-02. Review status: criteria provided, single submitter. Criteria: Ambry Variant Classification Scheme 2023. Collection method: clinical testing. Allele origin: germline. Not counted in ClinVar's aggregate classification.
Comment: The c.5130_5133delTGTA pathogenic mutation (also known as p.Y1710*), located in coding exon 10 of the BRCA2 gene, results from a deletion of 4 nucleotides at nucleotide positions 5130 to 5133. This changes the amino acid from a tyrosine to a stop codon within coding exon 10. This alteration has been reported in numerous breast and/or ovarian cancer cohorts (Friedman LS et al. Am. J. Hum. Genet. 1997 Feb;60:313-9; Soumittra N et al. Hered. Cancer Clin. Pract. 2009 Aug;7:13; de Juan Jim&eacute;nez I et al. Fam. Cancer. 2013 Dec;12:767-77; Nakamura S et al. Breast Cancer. 2015 Sep;22:462-8; Wong-Brown MW et al. Breast Cancer Res. Treat. 2015 Feb;150:71-80; Pritzlaff M et al. Breast Cancer Res. Treat. 2017 Feb;161:575-586; Carter NJ et al. Gynecol Oncol, 2018 12;151:481-488; Dorling et al. N Engl J Med. 2021 02;384:428-439). Of note, this alteration is also designated as 5358del4 and c.5129_5132delATGT in published literature. In addition to the clinical data presented in the literature, this alteration is expected to result in loss of function by premature protein truncation or nonsense-mediated mRNA decay. As such, this alteration is interpreted as a disease-causing mutation.

Baylor Genetics
Classification: Pathogenic for Familial cancer of breast. Last evaluated: 2024-03-25. Review status: criteria provided, single submitter. Criteria: ACMG Guidelines, 2015. Collection method: clinical testing. Allele origin: unknown. Not counted in ClinVar's aggregate classification.

Color Diagnostics, LLC DBA Color Health
Classification: Pathogenic for Hereditary cancer-predisposing syndrome. Last evaluated: 2024-01-16. Review status: criteria provided, single submitter. Criteria: ACMG Guidelines, 2015. Collection method: clinical testing. Allele origin: germline. Not counted in ClinVar's aggregate classification.
Comment: This variant deletes 4 nucleotides in exon 11 of the BRCA2 gene, creating a frameshift and premature translation stop signal. This variant is also known as c.5129_5132delATGT, 5358delTGTA and 5357del4 in the literature. This variant is expected to result in an absent or non-functional protein product. This variant has been reported in at least 15 individuals affected with breast and/or ovarian cancer (PMID: 9012404, 17688236, 19656415, 21720365, 22034289, 23479189, 24249303, 25682074, 26845104, 28008555, 28294317, 33471991; Leiden Open Variation Database DB-ID BRCA2_001903). This variant has been identified in 1/226864 chromosomes in the general population by the Genome Aggregation Database (gnomAD). Loss of BRCA2 function is a known mechanism of disease. Based on the available evidence, this variant is classified as Pathogenic.

Revvity Omics, Revvity
Classification: Pathogenic. Last evaluated: 2023-12-15. Review status: criteria provided, single submitter. Criteria: ACMG Guidelines, 2015. Collection method: clinical testing. Allele origin: germline. Not counted in ClinVar's aggregate classification.

Quest Diagnostics Nichols Institute San Juan Capistrano
Classification: Pathogenic. Last evaluated: 2023-02-16. Review status: criteria provided, single submitter. Criteria: Quest Diagnostics criteria. Collection method: clinical testing. Allele origin: unknown. Not counted in ClinVar's aggregate classification.
Comment: This nonsense variant causes the premature termination of BRCA2 protein synthesis. The frequency of this variant in the general population, 0.0000044 (1/226864 chromosomes), is consistent with pathogenicity. In the published literature, the variant has been reported in individuals with a personal or family history of breast and/or ovarian cancer (PMIDs: 33471991 (2021) see also LOVD, 32885271 (2020), 31825140 (2020), 30130155 (2018), 30322717 (2018), 29625052 (2018), 28888541 (2017), 26689913 (2015), 28008555 (2017), 26845104 (2016), 26586665 (2015)), prostate cancer (PMIDs: 33804961 (2021), 27989354 (2017)), pancreatic cancer (PMID: 32980694 (2020)), and healthy individuals (PMIDs: 33471991 (2021) see also LOVD, 33804961 (2021), 32719484 (2020), 31447099 (2019)). Based on the available information, this variant is classified as pathogenic.

GeneDx
Classification: Pathogenic. Last evaluated: 2021-07-16. Review status: criteria provided, single submitter. Criteria: GeneDx Variant Classification Process June 2021. Collection method: clinical testing. Allele origin: germline. Affected: yes. Not counted in ClinVar's aggregate classification.
Comment: Nonsense variant predicted to result in protein truncation or nonsense mediated decay in a gene for which loss-of-function is a known mechanism of disease; Not observed at a significant frequency in large population cohorts (Lek 2016); Truncating variants in this gene are considered pathogenic by a well-established consortium and/or database; Also known as 5358_5361delTGTA, 5358delTGTA, or 5358del4; This variant is associated with the following publications: (PMID: 29176636, 31447099, 26689913, 29625052, 31721781, 17688236, 30322717, 30702160, 30720243, 27989354, 28831036, 28127413, 26845104, 28008555, 24249303, 26586665, 26187060, 25682074, 19656415, 23479189, 9012404, 22430266, 18465347, 20665887, 22034289, 31060517)

Laboratory for Molecular Medicine, Mass General Brigham Personalized Medicine
Classification: Pathogenic for Hereditary breast ovarian cancer syndrome. Last evaluated: 2021-04-27. Review status: criteria provided, single submitter. Criteria: ACMG Guidelines, 2015. Collection method: clinical testing. Allele origin: germline. Inheritance: Autosomal dominant inheritance. Not counted in ClinVar's aggregate classification.
Comment: The p.Tyr1710X variant in BRCA2 has been reported in >15 individuals with BRCA2-related cancers (Friedman 1997 PMID: 9012404, Soumittra 2009 PMID: 19656415, de Juan Jiménez 2013 PMID: 23479189, Wong-Brown 2015 PMID: 25682074, Maxwell 2017 PMID: 28831036, Na 2017 PMID: 27989354, Pritzlaff 2017 PMID: 28008555, breast cancer information core (BIC) database). It has also been identified in 0.0065% (1/15268) of African chromosomes by gnomAD. This frequency is low enough to be consistent with the frequency of hereditary breast and ovarian cancer (HBOC) in the general population. This nonsense is a result of a deletion of 4 bases (c.5130_5133delTGTA), which creates a premature termination codon at amino acid position 1710. This alteration is then predicted to lead to a truncated or absent protein. Loss of function of the BRCA2 gene is an established disease mechanism in autosomal dominant HBOC. Additionally, this variant was classified as pathogenic on Apr 22, 2016 by the ClinGen-approved ENIGMA expert panel (Variation ID: 51775). In summary, this variant meets criteria to be classified as pathogenic for autosomal dominant HBOC. ACMG/AMP Criteria applied: PS4, PM2_Supporting, PVS1.

GeneKor MSA
Classification: Pathogenic. Last evaluated: 2020-01-01. Review status: criteria provided, single submitter. Criteria: ACMG Guidelines, 2015. Collection method: clinical testing. Allele origin: germline. Not counted in ClinVar's aggregate classification.
Comment: This is a deletion of 4 base pairs, which results in frameshift and creation of a new stop codon at amino acid residue 1710 of the BRCA2 gene. This is expected to result in an absent or disrupted protein product. Truncating variants in the BRCA2 gene are known to be pathogenic. This variant has been described in mutation databases as 5358_5361delTGTA, 5358delTGTA, or 5358del4. The mutation database ClinVar contains an entry for this variant (Variation ID: 51775).

Women's Health and Genetics/Laboratory Corporation of America, LabCorp
Classification: Pathogenic for Hereditary breast and ovarian cancer syndrome. Last evaluated: 2018-04-06. Review status: criteria provided, single submitter. Criteria: LabCorp Variant Classification Summary - May 2015. Collection method: clinical testing. Allele origin: germline. Not counted in ClinVar's aggregate classification.
Comment: Variant summary: BRCA2 c.5130_5133delTGTA (p.Tyr1710X) results in a premature termination codon, predicted to cause a truncation of the encoded protein or absence of the protein due to nonsense mediated decay, which are commonly known mechanisms for disease. The variant allele was found at a frequency of 4.5e-06 in 222984 control chromosomes. c.5130_5133delTGTA has been reported in the literature in multiple individuals affected with Hereditary Breast and Ovarian Cancer (e.g. Friedman 1997, Ramus 2007, Thomassen 2008, Soumittra 2009, Fackenthal 2012). These data indicate that the variant is very likely to be associated with disease. To our knowledge, no experimental evidence demonstrating an impact on protein function has been reported. 11 clinical diagnostic laboratories have submitted clinical-significance assessments for this variant to ClinVar after 2014 without evidence for independent evaluation. All laboratories classified the variant as pathogenic. Based on the evidence outlined above, the variant was classified as pathogenic.

Department of Pathology and Molecular Medicine, Queen's University
Classification: Pathogenic for Hereditary breast ovarian cancer syndrome. Last evaluated: 2017-04-20. Review status: criteria provided, single submitter. Criteria: ACMG Guidelines, 2015. Collection method: clinical testing. Allele origin: germline. Study: The Canadian Open Genetics Repository (COGR). Not counted in ClinVar's aggregate classification.

University of Washington Department of Laboratory Medicine, University of Washington
Classification: Pathogenic for Breast-ovarian cancer, familial, susceptibility to, 1. Last evaluated: 2015-11-20. Review status: criteria provided, single submitter. Criteria: Shirts et al. (Genet Med 2016). Collection method: clinical testing. Allele origin: germline. Affected: yes. Observed: 1 variant allele. Not counted in ClinVar's aggregate classification.

Consortium of Investigators of Modifiers of BRCA1/2 (CIMBA), c/o University of Cambridge
Classification: Pathogenic for Breast-ovarian cancer, familial, susceptibility to, 2. Last evaluated: 2015-10-02. Review status: criteria provided, single submitter. Criteria: CIMBA Mutation Classification guidelines May 2016. Collection method: clinical testing. Allele origin: germline. Not counted in ClinVar's aggregate classification.

Juno Genomics, Hangzhou Juno Genomics, Inc
Classification: Pathogenic for Familial cancer of breast; Breast-ovarian cancer, familial, susceptibility to, 2; Glioma susceptibility 3; Medulloblastoma; Pancreatic cancer, susceptibility to, 2; Familial prostate cancer; Fanconi anemia complementation group D1; Wilms tumor 1. Review status: criteria provided, single submitter. Criteria: ACMG Guidelines, 2015. Collection method: clinical testing. Allele origin: germline. Affected: yes. Not counted in ClinVar's aggregate classification.
Comment: Null variant in a gene where loss of function (LOF) is a known mechanism of disease.;Absent from controls (or at extremely low frequency if recessive) in Genome Aggregation Database, Exome Sequencing Project, 1000 Genomes Project, or Exome Aggregation Consortium.;The prevalence of the variant in affected individuals is significantly increased compared to the prevalence in controls.